The following is an entry in ClinVar:

NM_022124.6(CDH23):c.7769dup (p.Leu2591fs)

Gene: CDH23 (cadherin related 23; plus strand). Cytogenetic location: 10q22.1.
Variant type: Duplication.
Coding change: c.7769dup on transcript NM_022124.6 (MANE Select); coding-DNA position 7769, one base duplicated (C; older notation c.7769dupC).
Protein change: p.Leu2591fs; shifts the reading frame from leucine 2591.
Molecular consequence: frameshift variant.
Genome position (GRCh38, 1-based): chr10:71,803,317, C duplicated; the last of 5 consecutive C bases (chr10:71,803,313-71,803,317); duplicating any one gives the same sequence. VCF-style (leftmost placement, unchanged base first): chr10-71803312-G-GC. GRCh37 (hg19) VCF-style: chr10-73563069-G-GC.
Other names: c.1049dup, p.Leu351fs (NM_001171933.1, NM_001171934.1); short protein forms L351fs, L2591fs.
Identifiers: ClinVar variation 1432091 (VCV001432091.6), dbSNP rs2132978502, ClinGen allele CA2573145262.

ClinVar aggregate classification (germline): Pathogenic (1 of 4 stars; one submission).

Submission:

Labcorp Genetics (formerly Invitae), Labcorp
Classification: Pathogenic. Last evaluated: 2021-03-08. Review status: criteria provided, single submitter. Criteria: Invitae Variant Classification Sherloc (09022015). Collection method: clinical testing. Allele origin: germline.
Comment: This sequence change creates a premature translational stop signal (p.Leu2591Thrfs*16) in the CDH23 gene. It is expected to result in an absent or disrupted protein product. Loss-of-function variants in CDH23 are known to be pathogenic (PMID: 11138009, 21940737). This variant is not present in population databases (ExAC no frequency). This variant has not been reported in the literature in individuals with CDH23-related conditions. For these reasons, this variant has been classified as Pathogenic.

Literature cited by the submitters: PubMed 11138009; PubMed 21940737.